The following is an entry in ClinVar:

ClinVar aggregate classification (germline): Uncertain significance (1 of 4 stars; one submission).

Conditions:
Epilepsy, childhood absence, susceptibility to, 6. Identifiers: Orphanet 64280, MedGen C2749872, MONDO:0012763, OMIM 611942.
Hyperaldosteronism, familial, type IV (HALD4). Also called: FH IV; ALDOSTERONISM, PRIMARY, AND HYPERTENSION. Identifiers: Orphanet 642671, MedGen C4310756, MONDO:0014875, OMIM 617027.

Submission:

Juno Genomics, Hangzhou Juno Genomics, Inc
Classification: Uncertain significance for Epilepsy, childhood absence, susceptibility to, 6; Hyperaldosteronism, familial, type IV. Review status: criteria provided, single submitter. Criteria: ACMG Guidelines, 2015. Collection method: clinical testing. Allele origin: germline.
Comment: Absent from controls (or at extremely low frequency if recessive) in Genome Aggregation Database.;Multiple lines of computational evidence support a deleterious effect on the gene or gene product.

NM_021098.3(CACNA1H):c.2747C>A (p.Ala916Asp)

Gene: CACNA1H (calcium voltage-gated channel subunit alpha1 H; plus strand). Cytogenetic location: 16p13.3.
Variant type: single nucleotide variant.
Coding change: c.2747C>A on transcript NM_021098.3 (MANE Select); coding-DNA position 2747, C replaced by A.
Protein change: p.Ala916Asp; replaces alanine 916 with aspartic acid.
Molecular consequence: missense variant.
Genome position (GRCh38, 1-based): chr16:1,206,247, C>A. VCF-style: chr16-1206247-C-A. GRCh37 (hg19) VCF-style: chr16-1256247-C-A.
Other names: c.2747C>A, p.Ala916Asp (NM_001005407.2); short protein forms A916D.
Identifiers: ClinVar variation 5005504 (VCV005005504.2).